The following is an entry in ClinVar:

ClinVar aggregate classification (germline): Uncertain significance (1 of 4 stars; one submission).

Conditions:
Lethal multiple pterygium syndrome (LMPS). Identifiers: Orphanet 33108, MedGen C1854678, MONDO:0009668, OMIM 253290.

gnomAD v4.1: 2 of 1,613,972 alleles (0.00012%); highest among the groups gnomAD compares: African/African-American, 0.0027%; no homozygotes.

Submission:

Labcorp Genetics (formerly Invitae), Labcorp
Classification: Uncertain significance for Lethal multiple pterygium syndrome. Last evaluated: 2025-10-03. Review status: criteria provided, single submitter. Criteria: Invitae Variant Classification Sherloc (09022015). Collection method: clinical testing. Allele origin: germline.
Comment: This sequence change replaces histidine, which is basic and polar, with glutamine, which is neutral and polar, at codon 215 of the CHRND protein (p.His215Gln). This variant is present in population databases (rs757902006, gnomAD 0.007%). This variant has not been reported in the literature in individuals affected with CHRND-related conditions. Invitae Evidence Modeling of protein sequence and biophysical properties (such as structural, functional, and spatial information, amino acid conservation, physicochemical variation, residue mobility, and thermodynamic stability) has been performed for this missense variant. However, the output from this modeling did not meet the statistical confidence thresholds required to predict the impact of this variant on CHRND protein function. In summary, the available evidence is currently insufficient to determine the role of this variant in disease. Therefore, it has been classified as a Variant of Uncertain Significance.

NM_000751.3(CHRND):c.645C>A (p.His215Gln)

Gene: CHRND (cholinergic receptor nicotinic delta subunit; plus strand). Cytogenetic location: 2q37.1.
Variant type: single nucleotide variant.
Coding change: c.645C>A on transcript NM_000751.3 (MANE Select); coding-DNA position 645, C replaced by A.
Protein change: p.His215Gln; replaces histidine 215 with glutamine.
Molecular consequence: missense variant. On other transcripts: intron variant (1).
Genome position (GRCh38, 1-based): chr2:232,529,964, C>A. VCF-style: chr2-232529964-C-A. GRCh37 (hg19) VCF-style: chr2-233394674-C-A.
Other names: c.600C>A, p.His200Gln (NM_001256657.2); c.342C>A, p.His114Gln (NM_001311196.2); c.238+1308C>A (NM_001311195.2); short protein forms H114Q, H200Q, H215Q.
Identifiers: ClinVar variation 4780329 (VCV004780329.1).
Genomic context (GRCh38, chr2:232,529,964, plus strand): 5'-GGCCTGACCCTAAGATGTCCATGTGCCGCCCTCAGAGAACGGGGAGTGGGAGATAGTCCA[C>A]CGGCCGGCCAGGGTCAACGTGGACCCCAGAGCCCCTCTGGACAGCCCCAGCCGCCAGGAC-3'
Protein context (NP_000742.1, residues 205-225): FTENGEWEIV[His215Gln]RPARVNVDPR